The following is an entry in ClinVar:

ClinVar aggregate classification (germline): Uncertain significance. Review status: criteria provided, multiple submitters, no conflicts (2 of 4 stars). 2 submissions from 2 submitters: Uncertain significance (2). Last evaluated 2022-09-10.

Conditions:
Hereditary cancer-predisposing syndrome. Also called: Neoplastic Syndromes, Hereditary; Hereditary Cancer Syndrome; Tumor predisposition; Hereditary neoplastic syndrome. Identifiers: Orphanet 140162, MedGen C0027672, MeSH D009386, MONDO:0015356.
Familial cancer of breast. Also called: Hereditary breast cancer; hereditary breast carcinoma; BREAST CANCER, FAMILIAL. Identifiers: Orphanet 227535, MedGen C0346153, MONDO:0016419, OMIM 114480. Disease mechanism: loss of function.
Fanconi anemia complementation group J. Also called: BRIP1-Related Fanconi Anemia. Identifiers: Orphanet 84, MedGen C1836860, MONDO:0012187, OMIM 609054.

gnomAD v4.1: 1 of 1,614,098 alleles (0.000062%); highest among the groups gnomAD compares: Non-Finnish European, 0.000085%; no homozygotes.

Submissions (2):

Ambry Genetics
Classification: Uncertain significance for Hereditary cancer-predisposing syndrome. Last evaluated: 2022-09-10. Review status: criteria provided, single submitter. Criteria: Ambry Variant Classification Scheme 2023. Collection method: clinical testing. Allele origin: germline.
Comment: The p.G1014D variant (also known as c.3041G>A), located in coding exon 19 of the BRIP1 gene, results from a G to A substitution at nucleotide position 3041. The glycine at codon 1014 is replaced by aspartic acid, an amino acid with similar properties. This amino acid position is conserved. In addition, this alteration is predicted to be tolerated by in silico analysis. Since supporting evidence is limited at this time, the clinical significance of this alteration remains unclear.

Labcorp Genetics (formerly Invitae), Labcorp
Classification: Uncertain significance for Familial cancer of breast; Fanconi anemia complementation group J. Last evaluated: 2020-08-20. Review status: criteria provided, single submitter. Criteria: Invitae Variant Classification Sherloc (09022015). Collection method: clinical testing. Allele origin: germline.
Comment: This sequence change replaces glycine with aspartic acid at codon 1014 of the BRIP1 protein (p.Gly1014Asp). The glycine residue is weakly conserved and there is a moderate physicochemical difference between glycine and aspartic acid. This variant is not present in population databases (ExAC no frequency). This variant has not been reported in the literature in individuals with BRIP1-related conditions. Algorithms developed to predict the effect of missense changes on protein structure and function output the following: SIFT: "Tolerated"; PolyPhen-2: "Benign"; Align-GVGD: "Class C0". The aspartic acid amino acid residue is found in multiple mammalian species, suggesting that this missense change does not adversely affect protein function. These predictions have not been confirmed by published functional studies and their clinical significance is uncertain. In summary, the available evidence is currently insufficient to determine the role of this variant in disease. Therefore, it has been classified as a Variant of Uncertain Significance.

NM_032043.3(BRIP1):c.3041G>A (p.Gly1014Asp)

Gene: BRIP1 (BRCA1 interacting DNA helicase 1; minus strand). Cytogenetic location: 17q23.2.
Variant type: single nucleotide variant.
Coding change: c.3041G>A on transcript NM_032043.3 (MANE Select); coding-DNA position 3041, G replaced by A.
Protein change: p.Gly1014Asp; replaces glycine 1014 with aspartic acid.
Molecular consequence: missense variant.
Genome position (GRCh38, 1-based): chr17:61,684,005, C>T on the plus strand (G>A on the coding strand, the complement: BRIP1 is on the minus strand). VCF-style: chr17-61684005-C-T. GRCh37 (hg19) VCF-style: chr17-59761366-C-T.
Other names: short protein forms G1014D.
Identifiers: ClinVar variation 1035522 (VCV001035522.12), dbSNP rs876659757, ClinGen allele CA400479929.